The following is an entry in ClinVar:

ClinVar aggregate classification (germline): Uncertain significance (1 of 4 stars; one submission).

Submission:

GeneDx
Classification: Uncertain significance. Last evaluated: 2016-03-18. Review status: criteria provided, single submitter. Criteria: GeneDx Variant Classification (06012015). Collection method: clinical testing. Allele origin: germline. Affected: yes.
Comment: The E578K variant of uncertain significance in the KCNQ1 gene has not been published as a pathogenic variant or been reported as a benign variant to our knowledge. The E578K variant was not observed in approximately 6,500 individuals of European and African American ancestry in the NHLBI Exome Sequencing Project, indicating it is not a common benign variant in these populations. In silico splice prediction algorithms predict E578K may result in decreased efficiency or complete loss of the natural splice donor site of intron 14, which may cause abnormal gene splicing; however, functional studies are required to determine the impact of this variant on mRNA stability and protein expression. Other splice site variants have been reported in the Human Gene Mutation Database in association with LQTS (Stenson et al., 2014).Therefore, based on the currently available information, it is unclear whether this variant is a pathogenic or benign.

NM_000218.3(KCNQ1):c.1732G>A (p.Glu578Lys)

Gene: KCNQ1 (potassium voltage-gated channel subfamily Q member 1; plus strand). Cytogenetic location: 11p15.5.
Variant type: single nucleotide variant.
Coding change: c.1732G>A on transcript NM_000218.3 (MANE Select); coding-DNA position 1732, G replaced by A.
Protein change: p.Glu578Lys; replaces glutamic acid 578 with lysine.
Molecular consequence: missense variant.
Genome position (GRCh38, 1-based): chr11:2,777,032, G>A. VCF-style: chr11-2777032-G-A. GRCh37 (hg19) VCF-style: chr11-2798262-G-A.
Other names: c.1636G>A, p.Glu546Lys (NM_001406836.1); c.1462G>A, p.Glu488Lys (NM_001406837.1); c.1192G>A, p.Glu398Lys (NM_001406838.1); c.1351G>A, p.Glu451Lys (NM_181798.2); short protein forms E451K, E578K, E488K, E398K, E546K.
Identifiers: ClinVar variation 372394 (VCV000372394.3), dbSNP rs1057517750, ClinGen allele CA16042742.
Genomic context (GRCh38, chr11:2,777,032, plus strand): 5'-GTCCTTCTCTCCAGGCTGGACCAGTCCATTGGGAAGCCCTCACTGTTCATCTCCGTCTCA[G>A]GTGGGTTTCTGTGTCAGTTACTCTGGGCCCAGCAGCCTGCAATGGACTCTCCCGCACCTC-3'
Protein context (NP_000209.2, residues 568-588): GKPSLFISVS[Glu578Lys]KSKDRGSNTI